The following is an entry in ClinVar:

NM_033026.6(PCLO):c.8123T>C (p.Ile2708Thr)

Gene: PCLO (piccolo presynaptic cytomatrix protein; minus strand). Cytogenetic location: 7q21.11.
Variant type: single nucleotide variant.
Coding change: c.8123T>C on transcript NM_033026.6 (MANE Select); coding-DNA position 8123, T replaced by C.
Protein change: p.Ile2708Thr; replaces isoleucine 2708 with threonine.
Molecular consequence: missense variant.
Genome position (GRCh38, 1-based): chr7:82,952,830, A>G on the plus strand (T>C on the coding strand, the complement: PCLO is on the minus strand). VCF-style: chr7-82952830-A-G. GRCh37 (hg19) VCF-style: chr7-82582146-A-G.
Other names: c.8123T>C, p.Ile2708Thr (NM_014510.3); short protein forms I2708T.
Identifiers: ClinVar variation 1389763 (VCV001389763.6), dbSNP rs1200354001, ClinGen allele CA367911899.
Genomic context (GRCh38, chr7:82,952,830, plus strand): 5'-ATTACATCACCAACAAGTTGCAATTTTCCATCTTCTTTATACTGAGGCTTCTCTAAATGT[A>G]TGTTATCTAGAGCAAGAGGCTCTGGAGGAATTGTTATGGAAATGCTGCTGAGACCAACAC-3'
Protein context (NP_149015.2, residues 2698-2718): IPPEPLALDN[Ile2708Thr]HLEKPQYKED

ClinVar aggregate classification (germline): Uncertain significance (1 of 4 stars; one submission).

Submission:

Labcorp Genetics (formerly Invitae), Labcorp
Classification: Uncertain significance. Last evaluated: 2021-10-27. Review status: criteria provided, single submitter. Criteria: Invitae Variant Classification Sherloc (09022015). Collection method: clinical testing. Allele origin: germline.
Comment: In summary, the available evidence is currently insufficient to determine the role of this variant in disease. Therefore, it has been classified as a Variant of Uncertain Significance. Algorithms developed to predict the effect of missense changes on protein structure and function are either unavailable or do not agree on the potential impact of this missense change (SIFT: "Deleterious"; PolyPhen-2: "Not Available"; Align-GVGD: "Class C0"). This variant has not been reported in the literature in individuals affected with PCLO-related conditions. This variant is not present in population databases (gnomAD no frequency). This sequence change replaces isoleucine, which is neutral and non-polar, with threonine, which is neutral and polar, at codon 2708 of the PCLO protein (p.Ile2708Thr).